The following is an entry in ClinVar:

ClinVar aggregate classification (germline): Benign/Likely benign. Review status: criteria provided, multiple submitters, no conflicts (2 of 4 stars). 9 submissions from 9 submitters: Benign (6); Likely benign (1). 2 of the submissions do not count toward it. Last evaluated 2026-09-01.

Conditions:
Cardiovascular phenotype. Identifiers: MedGen CN230736.
Brugada syndrome. Also called: Sudden unexpected nocturnal death syndrome; Sudden unexplained nocturnal death syndrome; Sudden Unexplained Death Syndrome; Sudden Unexplained Nocturnal Death Syndrome (SUNDS). Identifiers: Orphanet 130, MedGen C1142166, MONDO:0015263.

Allele frequency attached by ClinVar (database versions not stated): gnomAD exomes 0.00873 and 0.00785; ExAC 0.00876; 1000 Genomes Project 30x 0.00312; 1000 Genomes Project 0.00319; TOPMed 0.00530; ESP Exome Variant Server 0.00592; gnomAD 0.00682 and 0.00692.
gnomAD v4.1: 13,649 of 1,606,080 alleles (0.85%); highest among the groups gnomAD compares: Non-Finnish European, 0.95%; 92 homozygotes.

Submissions (9):

CeGaT Center for Human Genetics Tuebingen
Classification: Likely benign. Last evaluated: 2026-09-01. Review status: criteria provided, single submitter. Criteria: CeGaT Center For Human Genetics Tuebingen Variant Classification Criteria Version 2. Collection method: clinical testing. Allele origin: germline. Affected: yes. Observed: 15 variant alleles.
Comment: CACNA2D1: BP4, BP7, BS2

Labcorp Genetics (formerly Invitae), Labcorp
Classification: Benign for Brugada syndrome. Last evaluated: 2026-01-31. Review status: criteria provided, single submitter. Criteria: Invitae Variant Classification Sherloc (09022015). Collection method: clinical testing. Allele origin: germline.

Athena Diagnostics
Classification: Benign. Last evaluated: 2025-06-25. Review status: criteria provided, single submitter. Criteria: Athena Diagnostics Criteria. Collection method: clinical testing. Allele origin: unknown.
Comment: The frequency of this variant in the general population is higher than would generally be expected for pathogenic variants in this gene. Computational tools yielded predictions that this variant is unlikely to have an effect on normal RNA splicing. This nucleotide position exhibits low evolutionary conservation.

Mayo Clinic Laboratories, Mayo Clinic
Classification: Benign. Last evaluated: 2019-04-30. Review status: criteria provided, single submitter. Criteria: ACMG Guidelines, 2015. Collection method: clinical testing. Allele origin: germline. Observed: 15 variant alleles.

GeneDx
Classification: Benign. Last evaluated: 2016-10-19. Review status: criteria provided, single submitter. Criteria: GeneDx Variant Classification (06012015). Collection method: clinical testing. Allele origin: germline. Affected: yes.
Comment: This variant is considered likely benign or benign based on one or more of the following criteria: it is a conservative change, it occurs at a poorly conserved position in the protein, it is predicted to be benign by multiple in silico algorithms, and/or has population frequency not consistent with disease.

Ambry Genetics
Classification: Benign for Cardiovascular phenotype. Last evaluated: 2015-06-12. Review status: criteria provided, single submitter. Criteria: Ambry Variant Classification Scheme 2023. Collection method: clinical testing. Allele origin: germline.

Breakthrough Genomics
Classification: Benign. Review status: criteria provided, single submitter. Criteria: ACMG Guidelines, 2015. Collection method: not provided. Allele origin: germline. Inheritance: Autosomal recessive inheritance. Affected: yes.

Clinical Genetics, Academic Medical Center
Classification: Benign. Review status: no assertion criteria provided. Collection method: clinical testing. Allele origin: germline. Affected: yes. Study: VKGL Data-share Consensus. Not counted in ClinVar's aggregate classification.

Joint Genome Diagnostic Labs from Nijmegen and Maastricht, Radboudumc and MUMC+
Classification: Benign. Review status: no assertion criteria provided. Collection method: clinical testing. Allele origin: germline. Affected: yes. Study: VKGL Data-share Consensus. Not counted in ClinVar's aggregate classification.

NM_000722.4(CACNA2D1):c.1332C>T (p.Val444=)

Genes: CACNA2D1 (calcium voltage-gated channel auxiliary subunit alpha2delta 1; minus strand), CACNA2D1-AS1 (CACNA2D1 antisense RNA 1; plus strand). Cytogenetic location: 7q21.11.
Variant type: single nucleotide variant.
Coding change: c.1332C>T on transcript NM_000722.4 (MANE Select); coding-DNA position 1332, C replaced by T.
Protein change: p.Val444=; no amino-acid change (valine 444 retained).
Molecular consequence: synonymous variant.
Genome position (GRCh38, 1-based): chr7:82,012,184, G>A on the plus strand (C>T on the coding strand, the complement: CACNA2D1 is on the minus strand). VCF-style: chr7-82012184-G-A. GRCh37 (hg19) VCF-style: chr7-81641500-G-A.
Other names: p.Val444=; c.1332C>T, p.Val444= (NM_001366867.1); c.1332C>T (LRG_437t1).
Identifiers: ClinVar variation 238179 (VCV000238179.44), dbSNP rs73151504, ClinGen allele CA4318073.